The following is an entry in ClinVar:

ClinVar aggregate classification (germline): Uncertain significance (1 of 4 stars; one submission).

Allele frequency attached by ClinVar (database versions not stated): gnomAD 0.00001; TOPMed 0.00001; ExAC 0.00002.
gnomAD v4.1: 8 of 1,609,016 alleles (0.0005%); highest among the groups gnomAD compares: Non-Finnish European, 0.00068%; no homozygotes.

Submission:

GeneDx
Classification: Uncertain significance. Last evaluated: 2023-08-09. Review status: criteria provided, single submitter. Criteria: GeneDx Variant Classification Process June 2021. Collection method: clinical testing. Allele origin: germline. Affected: yes.
Comment: Not observed at significant frequency in large population cohorts (gnomAD); In silico analysis supports that this missense variant does not alter protein structure/function; Has not been previously published as pathogenic or benign to our knowledge

NM_024753.5(TTC21B):c.1207G>C (p.Val403Leu)

Gene: TTC21B (tetratricopeptide repeat domain 21B; minus strand). Cytogenetic location: 2q24.3.
Variant type: single nucleotide variant.
Coding change: c.1207G>C on transcript NM_024753.5 (MANE Select); coding-DNA position 1207, G replaced by C.
Protein change: p.Val403Leu; replaces valine 403 with leucine.
Molecular consequence: missense variant.
Genome position (GRCh38, 1-based): chr2:165,929,314, C>G on the plus strand (G>C on the coding strand, the complement: TTC21B is on the minus strand). VCF-style: chr2-165929314-C-G. GRCh37 (hg19) VCF-style: chr2-166785824-C-G.
Other names: short protein forms V403L.
Identifiers: ClinVar variation 2575524 (VCV002575524.1), dbSNP rs758444053, ClinGen allele CA1942195.